The following is an entry in ClinVar:

ClinVar aggregate classification (germline): Uncertain significance. Review status: criteria provided, multiple submitters, no conflicts (2 of 4 stars). 8 submissions from 8 submitters: Uncertain significance (7). 1 of the submissions does not count toward it. Last evaluated 2025-11-05.

Conditions:
Arrhythmogenic right ventricular dysplasia 5. Also called: Arrhythmogenic Right Ventricular Dysplasia/Cardiomyopathy 5; ARRHYTHMOGENIC RIGHT VENTRICULAR DYSPLASIA, FAMILIAL, 5. Identifiers: MedGen C1858379, MONDO:0011459, OMIM 604400.
Auditory neuropathy, autosomal dominant 3 (AUNA3). Identifiers: MedGen C5676964, MONDO:0859235, OMIM 619832.
Emery-Dreifuss muscular dystrophy 7, autosomal dominant (EDMD7). Also called: Emery-Dreifuss muscular dystrophy 7, AD. Identifiers: Orphanet 261, MedGen C3553060, MONDO:0013677, OMIM 614302.
Cardiovascular phenotype. Identifiers: MedGen CN230736.
TMEM43-related disorder. Also called: TMEM43-related condition.
Cardiomyopathy (CMYO). Also called: Cardiomyopathies. Identifiers: Orphanet 167848, MedGen C0878544, MONDO:0004994, HP:0001638. Inheritance: Various modes of inheritance.

Allele frequency attached by ClinVar (database versions not stated): gnomAD exomes 0.00001 and 0.00002; gnomAD 0.00003; ExAC 0.00001; TOPMed 0.00002.
gnomAD v4.1: 30 of 1,613,944 alleles (0.0019%); highest among the groups gnomAD compares: East Asian, 0.0067%; 1 homozygote.

Submissions (8):

Color Diagnostics, LLC DBA Color Health
Classification: Uncertain significance for Cardiomyopathy. Last evaluated: 2025-11-05. Review status: criteria provided, single submitter. Criteria: ACMG Guidelines, 2015. Collection method: clinical testing. Allele origin: germline.
Comment: This missense variant replaces arginine with glutamine at codon 28 of the TMEM43 protein. Computational prediction suggests that this variant may not impact protein structure and function. To our knowledge, functional studies have not been reported for this variant. This variant has been reported in an individual affected with hypertrophic cardiomyopathy (PMID: 25351510). This variant has been identified in 30/1613944 chromosomes in the general population by the Genome Aggregation Database (gnomAD). The available evidence is insufficient to determine the role of this variant in disease conclusively. Therefore, this variant is classified as a Variant of Uncertain Significance.

Labcorp Genetics (formerly Invitae), Labcorp
Classification: Uncertain significance for Arrhythmogenic right ventricular dysplasia 5. Last evaluated: 2025-09-22. Review status: criteria provided, single submitter. Criteria: Invitae Variant Classification Sherloc (09022015). Collection method: clinical testing. Allele origin: germline.
Comment: This sequence change replaces arginine, which is basic and polar, with glutamine, which is neutral and polar, at codon 28 of the TMEM43 protein (p.Arg28Gln). This variant is present in population databases (rs757651177, gnomAD 0.008%). This missense change has been observed in individual(s) with hypertrophic cardiomyopathy (PMID: 25351510). ClinVar contains an entry for this variant (Variation ID: 466424). Invitae Evidence Modeling of protein sequence and biophysical properties (such as structural, functional, and spatial information, amino acid conservation, physicochemical variation, residue mobility, and thermodynamic stability) indicates that this missense variant is not expected to disrupt TMEM43 protein function with a negative predictive value of 80%. In summary, the available evidence is currently insufficient to determine the role of this variant in disease. Therefore, it has been classified as a Variant of Uncertain Significance.

All of Us Research Program, National Institutes of Health
Classification: Uncertain significance for Arrhythmogenic right ventricular dysplasia 5. Last evaluated: 2024-09-28. Review status: criteria provided, single submitter. Criteria: ACMG Guidelines, 2015. Collection method: clinical testing. Allele origin: germline. Inheritance: Autosomal dominant inheritance. Observed: 15 variant alleles, 15 heterozygotes.
Comment: This missense variant replaces arginine with glutamine at codon 28 of the TMEM43 protein. Computational prediction suggests that this variant may not impact protein structure and function (internally defined REVEL score threshold <= 0.5, PMID: 27666373). To our knowledge, functional studies have not been reported for this variant. This variant has been reported in an individual affected with hypertrophic cardiomyopathy (PMID: 25351510). This variant has been identified in 6/282762 chromosomes in the general population by the Genome Aggregation Database (gnomAD). The available evidence is insufficient to determine the role of this variant in disease conclusively. Therefore, this variant is classified as a Variant of Uncertain Significance.

This study involves interpretation of variants in research participants for the purpose of population health screening. Participant phenotype was not available at the time of variant classification. Additional details can be found in publication PMID: 35346344, PMCID: PMC8962531

Ambry Genetics
Classification: Uncertain significance for Cardiovascular phenotype. Last evaluated: 2024-06-28. Review status: criteria provided, single submitter. Criteria: Ambry Variant Classification Scheme 2023. Collection method: clinical testing. Allele origin: germline.

Fulgent Genetics
Classification: Uncertain significance for Arrhythmogenic right ventricular dysplasia 5; Emery-Dreifuss muscular dystrophy 7, autosomal dominant; Auditory neuropathy, autosomal dominant 3. Last evaluated: 2021-10-11. Review status: criteria provided, single submitter. Criteria: ACMG Guidelines, 2015. Collection method: clinical testing. Allele origin: unknown.

Women's Health and Genetics/Laboratory Corporation of America, LabCorp
Classification: Uncertain significance. Last evaluated: 2021-10-09. Review status: criteria provided, single submitter. Criteria: LabCorp Variant Classification Summary - May 2015. Collection method: clinical testing. Allele origin: germline.

Stanford Center for Inherited Cardiovascular Disease, Stanford University
Classification: Uncertain significance. Last evaluated: 2017-06-12. Review status: criteria provided, single submitter. Criteria: ACMG Guidelines, 2015. Collection method: provider interpretation. Allele origin: germline.

PreventionGenetics, part of Exact Sciences
Classification: Uncertain significance for TMEM43-related condition. Last evaluated: 2024-02-09. Review status: no assertion criteria provided. Collection method: clinical testing. Allele origin: germline. Not counted in ClinVar's aggregate classification.
Comment: The TMEM43 c.83G>A variant is predicted to result in the amino acid substitution p.Arg28Gln. This variant was reported in a hypertrophic cardiomyopathy cohort; however, no additional studies were performed to help assess the pathogenicity of this variant (Table S1, Lopes et al. 2014. PubMed ID: 25351510). This variant is reported in 0.0080% of alleles in individuals of African descent in gnomAD. At this time, the clinical significance of this variant is uncertain due to the absence of conclusive functional and genetic evidence.

Literature cited by the submitters: PubMed 25351510 (cited by 3 submitters).

NM_024334.3(TMEM43):c.83G>A (p.Arg28Gln)

Gene: TMEM43 (transmembrane protein 43; plus strand). Cytogenetic location: 3p25.1.
Variant type: single nucleotide variant.
Coding change: c.83G>A on transcript NM_024334.3 (MANE Select); coding-DNA position 83, G replaced by A.
Protein change: p.Arg28Gln; replaces arginine 28 with glutamine.
Molecular consequence: missense variant.
Genome position (GRCh38, 1-based): chr3:14,129,482, G>A. VCF-style: chr3-14129482-G-A. GRCh37 (hg19) VCF-style: chr3-14170982-G-A.
Other names: short protein forms R28Q.
Identifiers: ClinVar variation 466424 (VCV000466424.25), dbSNP rs757651177, ClinGen allele CA055775.